The following is an entry in ClinVar:

ClinVar aggregate classification (germline): Uncertain significance (1 of 4 stars; one submission).

Submission:

GeneDx
Classification: Uncertain significance. Last evaluated: 2020-06-25. Review status: criteria provided, single submitter. Criteria: GeneDx Variant Classification Process June 2021. Collection method: clinical testing. Allele origin: germline. Affected: yes.
Comment: Not observed in large population cohorts (Lek et al., 2016); In silico analysis supports that this missense variant does not alter protein structure/function; Has not been previously published as pathogenic or benign to our knowledge

NM_000208.4(INSR):c.3955A>T (p.Met1319Leu)

Gene: INSR (insulin receptor; minus strand). Cytogenetic location: 19p13.2.
Variant type: single nucleotide variant.
Coding change: c.3955A>T on transcript NM_000208.4 (MANE Select); coding-DNA position 3955, A replaced by T.
Protein change: p.Met1319Leu; replaces methionine 1319 with leucine.
Molecular consequence: missense variant.
Genome position (GRCh38, 1-based): chr19:7,117,250, T>A on the plus strand (A>T on the coding strand, the complement: INSR is on the minus strand). VCF-style: chr19-7117250-T-A. GRCh37 (hg19) VCF-style: chr19-7117261-T-A.
Other names: c.3919A>T, p.Met1307Leu (NM_001079817.3); short protein forms M1307L, M1319L.
Identifiers: ClinVar variation 1302338 (VCV001302338.2), dbSNP rs1599863704, ClinGen allele CA403668614.